The following is an entry in ClinVar:

ClinVar aggregate classification (germline): Uncertain significance (1 of 4 stars; one submission).

Submission:

Labcorp Genetics (formerly Invitae), Labcorp
Classification: Uncertain significance. Last evaluated: 2025-08-09. Review status: criteria provided, single submitter. Criteria: Invitae Variant Classification Sherloc (09022015). Collection method: clinical testing. Allele origin: germline.
Comment: This sequence change replaces valine, which is neutral and non-polar, with leucine, which is neutral and non-polar, at codon 3300 of the ZNF469 protein (p.Val3300Leu). This variant is not present in population databases (gnomAD no frequency). This variant has not been reported in the literature in individuals affected with ZNF469-related conditions. An algorithm developed to predict the effect of missense changes on protein structure and function (PolyPhen-2) suggests that this variant is likely to be disruptive. In summary, the available evidence is currently insufficient to determine the role of this variant in disease. Therefore, it has been classified as a Variant of Uncertain Significance.

NM_001367624.2(ZNF469):c.9982G>C (p.Val3328Leu)

Genes: ZNF469 (zinc finger protein 469; plus strand), LOC130059719 (ATAC-STARR-seq lymphoblastoid silent region 7848; plus strand). Cytogenetic location: 16q24.2.
Variant type: single nucleotide variant.
Coding change: c.9982G>C on transcript NM_001367624.2 (MANE Select); coding-DNA position 9982, G replaced by C.
Protein change: p.Val3328Leu; replaces valine 3328 with leucine.
Molecular consequence: missense variant.
Genome position (GRCh38, 1-based): chr16:88,437,452, G>C. VCF-style: chr16-88437452-G-C. GRCh37 (hg19) VCF-style: chr16-88503860-G-C.
Other names: short protein forms V3328L.
Identifiers: ClinVar variation 4724764 (VCV004724764.1).
Genomic context (GRCh38, chr16:88,437,452, plus strand): 5'-ACCCCCAGCCCGTCCCCCGACCCCTGGGCCGGCGGGGAGCCCCTCCTGCAAGCCACCCCG[G>C]TGCACGAGGCCTGCAAGGACCCCTCCCGCGACTGCCACCACTGCGGGAAGCGCTTCCCCA-3'
Protein context (NP_001354553.1, residues 3318-3338): GGEPLLQATP[Val3328Leu]HEACKDPSRD